The following is an entry in ClinVar:

NM_177438.3(DICER1):c.5471G>A (p.Gly1824Glu)

Gene: DICER1 (dicer 1, ribonuclease III; minus strand). Cytogenetic location: 14q32.13.
Variant type: single nucleotide variant.
Coding change: c.5471G>A on transcript NM_177438.3 (MANE Select); coding-DNA position 5471, G replaced by A.
Protein change: p.Gly1824Glu; replaces glycine 1824 with glutamic acid.
Molecular consequence: missense variant. On other transcripts: intron variant (1).
Genome position (GRCh38, 1-based): chr14:95,091,259, C>T on the plus strand (G>A on the coding strand, the complement: DICER1 is on the minus strand). VCF-style: chr14-95091259-C-T. GRCh37 (hg19) VCF-style: chr14-95557596-C-T.
Other names: c.5471G>A, p.Gly1824Glu (NM_001271282.3, NM_001291628.2, NM_030621.4); c.5365-150G>A (NM_001195573.1); short protein forms G1824E.
Identifiers: ClinVar variation 647583 (VCV000647583.11), dbSNP rs377685186, ClinGen allele CA390864580.

ClinVar aggregate classification (germline): Uncertain significance. Review status: criteria provided, multiple submitters, no conflicts (2 of 4 stars). 3 submissions from 3 submitters: Uncertain significance (3). Last evaluated 2025-11-14.

Conditions:
DICER1-related tumor predisposition. Also called: DICER1-related pleuropulmonary blastoma cancer predisposition syndrome; DICER1 syndrome. Identifiers: Orphanet 284343, MedGen C3839822, MONDO:0100216.
Global developmental delay - lung cysts - overgrowth - Wilms tumor syndrome. Also called: GLOW Syndrome; GLOBAL DEVELOPMENTAL DELAY, LUNG CYSTS, OVERGROWTH, AND WILMS TUMOR. Identifiers: Orphanet 404476, MedGen C4748924, MONDO:0018445, OMIM 618272.
Hereditary cancer-predisposing syndrome. Also called: Hereditary Cancer Syndrome; Tumor predisposition; Neoplastic Syndromes, Hereditary; Hereditary neoplastic syndrome. Identifiers: Orphanet 140162, MedGen C0027672, MeSH D009386, MONDO:0015356.

Submissions (3):

Labcorp Genetics (formerly Invitae), Labcorp
Classification: Uncertain significance for DICER1-related tumor predisposition. Last evaluated: 2025-11-14. Review status: criteria provided, single submitter. Criteria: Invitae Variant Classification Sherloc (09022015). Collection method: clinical testing. Allele origin: germline.
Comment: This sequence change replaces glycine, which is neutral and non-polar, with glutamic acid, which is acidic and polar, at codon 1824 of the DICER1 protein (p.Gly1824Glu). This variant is not present in population databases (gnomAD no frequency). This variant has not been reported in the literature in individuals affected with DICER1-related conditions. ClinVar contains an entry for this variant (Variation ID: 647583). Invitae Evidence Modeling of protein sequence and biophysical properties (such as structural, functional, and spatial information, amino acid conservation, physicochemical variation, residue mobility, and thermodynamic stability) indicates that this missense variant is not expected to disrupt DICER1 protein function with a negative predictive value of 95%. In summary, the available evidence is currently insufficient to determine the role of this variant in disease. Therefore, it has been classified as a Variant of Uncertain Significance.

Ambry Genetics
Classification: Uncertain significance for Hereditary cancer-predisposing syndrome. Last evaluated: 2023-11-21. Review status: criteria provided, single submitter. Criteria: Ambry Variant Classification Scheme 2023. Collection method: clinical testing. Allele origin: germline.
Comment: The p.G1824E variant (also known as c.5471G>A), located in coding exon 24 of the DICER1 gene, results from a G to A substitution at nucleotide position 5471. The glycine at codon 1824 is replaced by glutamic acid, an amino acid with similar properties. This amino acid position is well conserved in available vertebrate species. In addition, this alteration is predicted to be deleterious by in silico analysis. Since supporting evidence is limited at this time, the clinical significance of this alteration remains unclear.

Baylor Genetics
Classification: Uncertain significance for Global developmental delay - lung cysts - overgrowth - Wilms tumor syndrome. Last evaluated: 2023-05-22. Review status: criteria provided, single submitter. Criteria: ACMG Guidelines, 2015. Collection method: clinical testing. Allele origin: unknown.